The following is an entry in ClinVar:

NM_000493.4(COL10A1):c.242G>A (p.Gly81Glu)

Genes: COL10A1 (collagen type X alpha 1 chain; minus strand), NT5DC1 (5'-nucleotidase domain containing 1; plus strand). Cytogenetic location: 6q22.1.
Variant type: single nucleotide variant.
Coding change: c.242G>A on transcript NM_000493.4 (MANE Select); coding-DNA position 242, G replaced by A.
Protein change: p.Gly81Glu; replaces glycine 81 with glutamic acid.
Molecular consequence: missense variant. On other transcripts: intron variant (1).
Genome position (GRCh38, 1-based): chr6:116,121,874, C>T on the plus strand (G>A on the coding strand, the complement: COL10A1 is on the minus strand). VCF-style: chr6-116121874-C-T. GRCh37 (hg19) VCF-style: chr6-116443037-C-T.
Other names: c.242G>A, p.Gly81Glu (NM_001424106.1, NM_001424107.1); c.529+3929C>T (NM_152729.3); short protein forms G81E.
Identifiers: ClinVar variation 1507431 (VCV001507431.6), dbSNP rs754330529, ClinGen allele CA3968447.

ClinVar aggregate classification (germline): Uncertain significance (1 of 4 stars; one submission).

Allele frequency attached by ClinVar (database versions not stated): TOPMed below 0.00001; gnomAD exomes 0.00001 and 0.00002; ExAC 0.00002.
gnomAD v4.1: 9 of 1,613,960 alleles (0.00056%); highest among the groups gnomAD compares: South Asian, 0.0011%; no homozygotes.

Submission:

Labcorp Genetics (formerly Invitae), Labcorp
Classification: Uncertain significance. Last evaluated: 2021-10-05. Review status: criteria provided, single submitter. Criteria: Invitae Variant Classification Sherloc (09022015). Collection method: clinical testing. Allele origin: germline.
Comment: This sequence change replaces glycine with glutamic acid at codon 81 of the COL10A1 protein (p.Gly81Glu). The glycine residue is highly conserved and there is a moderate physicochemical difference between glycine and glutamic acid. This variant is present in population databases (rs754330529, ExAC 0.003%). This variant has not been reported in the literature in individuals affected with COL10A1-related conditions. Algorithms developed to predict the effect of missense changes on protein structure and function are either unavailable or do not agree on the potential impact of this missense change (SIFT: "Deleterious"; PolyPhen-2: "Not Available"; Align-GVGD: "Class C0"). In summary, the available evidence is currently insufficient to determine the role of this variant in disease. Therefore, it has been classified as a Variant of Uncertain Significance.